The following is an entry in ClinVar:

ClinVar aggregate classification (germline): Uncertain significance (1 of 4 stars; one submission).

Conditions:
Intellectual disability, autosomal dominant 14 (CSS2). Also called: COFFIN-SIRIS SYNDROME 2. Identifiers: Orphanet 1465, MedGen C3553247, MONDO:0013819, OMIM 614607.

Submission:

Broad Center for Mendelian Genomics, Broad Institute of MIT and Harvard
Classification: Uncertain significance for Intellectual disability, autosomal dominant 14. Last evaluated: 2023-05-01. Review status: criteria provided, single submitter. Criteria: ACMG/ClinGen CNV Guidelines, 2019. Collection method: research. Allele origin: germline. Inheritance: Autosomal dominant inheritance. Affected: yes.
Comment: These breakpoints have been called by exome sequencing only and therefore may not reflect the true breakpoints. The patient phenotype is nonspecific, but is consistent with cases described in the literature and/or published databases with overlapping variants. There is complete overlap with the ARID1A gene which has not been assessed by the ClinGen Dosage Sensitivity Working Group. Though dosage sensitivity has not been established, DECIPHER has predicted the ARID1A gene to be triplosensitive. Two reported probands from the literature (PMID: 23521658, 33098347) have a copy-number gain in 1p36.11 similar in genomic content to the variant in our study. The variants reported are assumed de novo and the reported phenotypes are nonspecific. Data from large population studies are insufficient to assess the frequency of this variant. In summary, while there is some suspicion for a pathogenic role, the clinical significance of this variant is uncertain. The ACMG/ClinGen evidence codes and points used in this curation are as follows: 1: 0 points, 2: 0 points, 3: 0 points, 4-5: 0.45 points; Total: 0.45 points; Riggs 2020 (PMID: 31690835).

Literature cited by the submitters: PubMed 23521658; PubMed 33098347.

Single allele

Genes: SELENON (selenoprotein N; plus strand), FAM110D (family with sequence similarity 110 member D; plus strand), CNKSR1 (connector enhancer of kinase suppressor of Ras 1; plus strand), PIGV (phosphatidylinositol glycan anchor biosynthesis class V; plus strand), CD52 (CD52 molecule; plus strand) and 109 more. Cytogenetic location: 1p36.11.
Variant type: Duplication.
Identifiers: ClinVar variation 4819209 (VCV004819209.1).